The following is an entry in ClinVar:

NM_001267550.2(TTN):c.53096G>C (p.Arg17699Pro)

Genes: TTN (titin; minus strand), TTN-AS1 (TTN antisense RNA 1; plus strand), LOC126806425 (BRD4-independent group 4 enhancer GRCh37_chr2:179471933-179473132; plus strand). Cytogenetic location: 2q31.2.
Variant type: single nucleotide variant.
Coding change: c.53096G>C on transcript NM_001267550.2 (MANE Select); coding-DNA position 53096, G replaced by C.
Protein change: p.Arg17699Pro; replaces arginine 17699 with proline.
Molecular consequence: missense variant.
Genome position (GRCh38, 1-based): chr2:178,607,592, C>G on the plus strand (G>C on the coding strand, the complement: TTN is on the minus strand). VCF-style: chr2-178607592-C-G. GRCh37 (hg19) VCF-style: chr2-179472319-C-G.
Other names: c.45392G>C, p.Arg15131Pro (NM_133378.4); c.48173G>C, p.Arg16058Pro (NM_001256850.1); c.25901G>C, p.Arg8634Pro (NM_003319.4); c.26276G>C, p.Arg8759Pro (NM_133432.3); c.26477G>C, p.Arg8826Pro (NM_133437.4); short protein forms R17699P, R15131P, R16058P, R8634P, R8826P, R8759P.
Identifiers: ClinVar variation 47071 (VCV000047071.7), dbSNP rs72646808, ClinGen allele CA139917.

ClinVar aggregate classification (germline): Uncertain significance. Review status: criteria provided, multiple submitters, no conflicts (2 of 4 stars). 2 submissions from 2 submitters: Uncertain significance (2). Last evaluated 2018-10-24.

Conditions:
Cardiovascular phenotype. Identifiers: MedGen CN230736.

gnomAD v4.1: 3 of 1,613,000 alleles (0.00019%); highest among the groups gnomAD compares: African/African-American, 0.004%; no homozygotes.

Submissions (2):

Ambry Genetics
Classification: Uncertain significance for Cardiovascular phenotype. Last evaluated: 2018-10-24. Review status: criteria provided, single submitter. Criteria: Ambry Variant Classification Scheme 2023. Collection method: clinical testing. Allele origin: germline.
Comment: The p.R8634P variant (also known as c.25901G>C), located in coding exon 104 of the TTN gene, results from a G to C substitution at nucleotide position 25901. The arginine at codon 8634 is replaced by proline, an amino acid with dissimilar properties. This amino acid position is well conserved in available vertebrate species. In addition, the in silico prediction for this alteration is inconclusive. Since supporting evidence is limited at this time, the clinical significance of this alteration remains unclear.

Laboratory for Molecular Medicine, Mass General Brigham Personalized Medicine
Classification: Uncertain significance. Last evaluated: 2013-01-22. Review status: criteria provided, single submitter. Criteria: LMM Criteria. Collection method: clinical testing. Allele origin: germline. Observed: 1 variant allele.
Comment: This variant ha s also not been identified in large and broad European American and African Amer ican populations by the NHLBI Exome Sequencing Project (.edu/EVS), though it may be common in other populations. Computational analyses (biochemical amino acid properties, AlignGVGD, PolyPhen2, and SIFT) suggest that the Arg15131Pro variant may impact the protein, though this information is not predictive enough to determine pathogenicity. Another variant at this position ( Arg15131His) has been identified in a small percentage of European American chro mosomes by the NHLBI Exome Sequencing Project, raising the possibility that chan ges at this position would be tolerated. In summary, additional information is n eeded to fully assess the clinical significance of the Arg15131Pro variant.